The following is an entry in ClinVar:

ClinVar aggregate classification (germline): Uncertain significance. Review status: criteria provided, multiple submitters, no conflicts (2 of 4 stars). 4 submissions from 4 submitters: Uncertain significance (4). Last evaluated 2025-03-03.

Conditions:
BBS9-related disorder. Also called: BBS9-related condition.
Bardet-Biedl syndrome 9 (BBS9). Identifiers: Orphanet 110, MedGen C1859567, MONDO:0014437, OMIM 615986.
Bardet-Biedl syndrome (BBS). Identifiers: Orphanet 110, MedGen C0752166, MONDO:0015229.

Allele frequency attached by ClinVar (database versions not stated): gnomAD exomes 0.00001 and 0.00004; ExAC 0.00002; TOPMed 0.00002; gnomAD 0.00003; ESP Exome Variant Server 0.00008.
gnomAD v4.1: 54 of 1,613,320 alleles (0.0033%); highest among the groups gnomAD compares: Non-Finnish European, 0.0044%; no homozygotes.

Submissions (4):

PreventionGenetics, part of Exact Sciences
Classification: Uncertain significance for BBS9-related condition. Last evaluated: 2025-03-03. Review status: criteria provided, single submitter. Criteria: ACMG Guidelines, 2015. Collection method: clinical testing. Allele origin: germline.
Comment: The BBS9 c.1264G>T variant is predicted to result in the amino acid substitution p.Asp422Tyr. To our knowledge, this variant has not been reported in the literature. This variant is reported in 0.0040% of alleles in individuals of African descent in gnomAD. At this time, the clinical significance of this variant is uncertain due to the absence of conclusive functional and genetic evidence.

Fulgent Genetics
Classification: Uncertain significance for Bardet-Biedl syndrome 9. Last evaluated: 2024-02-02. Review status: criteria provided, single submitter. Criteria: ACMG Guidelines, 2015. Collection method: clinical testing. Allele origin: germline.

Blueprint Genetics
Classification: Uncertain significance. Last evaluated: 2023-02-28. Review status: criteria provided, single submitter. Criteria: ACMG Guidelines, 2015. Collection method: clinical testing. Allele origin: germline.

Labcorp Genetics (formerly Invitae), Labcorp
Classification: Uncertain significance for Bardet-Biedl syndrome. Last evaluated: 2022-01-15. Review status: criteria provided, single submitter. Criteria: Invitae Variant Classification Sherloc (09022015). Collection method: clinical testing. Allele origin: germline.
Comment: This sequence change replaces aspartic acid, which is acidic and polar, with tyrosine, which is neutral and polar, at codon 422 of the BBS9 protein (p.Asp422Tyr). This variant is present in population databases (rs140198337, gnomAD 0.004%). This variant has not been reported in the literature in individuals affected with BBS9-related conditions. Algorithms developed to predict the effect of missense changes on protein structure and function (SIFT, PolyPhen-2, Align-GVGD) all suggest that this variant is likely to be disruptive. In summary, the available evidence is currently insufficient to determine the role of this variant in disease. Therefore, it has been classified as a Variant of Uncertain Significance.

NM_198428.3(BBS9):c.1264G>T (p.Asp422Tyr)

Gene: BBS9 (Bardet-Biedl syndrome 9; plus strand). Cytogenetic location: 7p14.3.
Variant type: single nucleotide variant.
Coding change: c.1264G>T on transcript NM_198428.3 (MANE Select); coding-DNA position 1264, G replaced by T.
Protein change: p.Asp422Tyr; replaces aspartic acid 422 with tyrosine.
Molecular consequence: missense variant. On other transcripts: non-coding transcript variant (3).
Genome position (GRCh38, 1-based): chr7:33,340,962, G>T. VCF-style: chr7-33340962-G-T. GRCh37 (hg19) VCF-style: chr7-33380574-G-T.
Other names: c.1264G>T, p.Asp422Tyr (NM_001033604.2, NM_001033605.2, NM_001348036.1 and 5 more transcripts); c.898G>T, p.Asp300Tyr (NM_001348037.3, NM_001348044.3, NM_001348045.3 and 1 more transcripts); c.991G>T, p.Asp331Tyr (NM_001348038.3, NM_001348039.3); c.1129G>T, p.Asp377Tyr (NM_001348042.3); c.1264G>T (NM_198428.2); short protein forms D300Y, D331Y, D377Y, D422Y.
Identifiers: ClinVar variation 1437629 (VCV001437629.6), dbSNP rs140198337, ClinGen allele CA4214233.